The following is an entry in ClinVar:

ClinVar aggregate classification (germline): Uncertain significance (1 of 4 stars; one submission).

Submission:

CeGaT Center for Human Genetics Tuebingen
Classification: Uncertain significance. Last evaluated: 2022-10-01. Review status: criteria provided, single submitter. Criteria: CeGaT Center For Human Genetics Tuebingen Variant Classification Criteria Version 2. Collection method: clinical testing. Allele origin: germline. Affected: yes. Observed: 1 variant allele.
Comment: VPS16: PM2, PVS1:Moderate

NM_022575.4(VPS16):c.51C>G (p.Tyr17Ter)

Genes: PCED1A (PC-esterase domain containing 1A; minus strand), VPS16 (VPS16 core subunit of CORVET and HOPS complexes; plus strand). Cytogenetic location: 20p13.
Variant type: single nucleotide variant.
Coding change: c.51C>G on transcript NM_022575.4 (MANE Select); coding-DNA position 51, C replaced by G.
Protein change: p.Tyr17Ter; replaces tyrosine 17 with a stop codon.
Molecular consequence: nonsense. On other transcripts: intron variant (1).
Genome position (GRCh38, 1-based): chr20:2,840,825, C>G. VCF-style: chr20-2840825-C-G. GRCh37 (hg19) VCF-style: chr20-2821471-C-G.
Other names: c.51C>G, p.Tyr17Ter (NM_080413.3); c.-22+41G>C (NM_001271168.2); short protein forms Y17*.
Identifiers: ClinVar variation 1879531 (VCV001879531.26), dbSNP rs2515070789, ClinGen allele CA408049581.